The following is an entry in ClinVar:

NM_001004334.4(GPR179):c.6019G>A (p.Val2007Met)

Gene: GPR179 (G protein-coupled receptor 179; minus strand). Cytogenetic location: 17q12.
Variant type: single nucleotide variant.
Coding change: c.6019G>A on transcript NM_001004334.4 (MANE Select); coding-DNA position 6019, G replaced by A.
Protein change: p.Val2007Met; replaces valine 2007 with methionine.
Molecular consequence: missense variant.
Genome position (GRCh38, 1-based): chr17:38,327,550, C>T on the plus strand (G>A on the coding strand, the complement: GPR179 is on the minus strand). VCF-style: chr17-38327550-C-T. GRCh37 (hg19) VCF-style: chr17-36483433-C-T.
Other names: short protein forms V2007M.
Identifiers: ClinVar variation 1929702 (VCV001929702.6), dbSNP rs1222753790, ClinGen allele CA398870363.

ClinVar aggregate classification (germline): Uncertain significance. Review status: criteria provided, single submitter (1 of 4 stars). 2 submissions from 2 submitters: Uncertain significance (1). 1 of the submissions does not count toward it. Last evaluated 2022-06-02.

Conditions:
Retinal dystrophy. Also called: Inherited retinal dystrophy. Identifiers: Orphanet 71862, MedGen C0854723, MeSH D058499, MONDO:0019118, HP:0000556.

Allele frequency attached by ClinVar (database versions not stated): TOPMed below 0.00001.

Submissions (2):

Labcorp Genetics (formerly Invitae), Labcorp
Classification: Uncertain significance. Last evaluated: 2022-06-02. Review status: criteria provided, single submitter. Criteria: Invitae Variant Classification Sherloc (09022015). Collection method: clinical testing. Allele origin: germline.
Comment: In summary, the available evidence is currently insufficient to determine the role of this variant in disease. Therefore, it has been classified as a Variant of Uncertain Significance. Algorithms developed to predict the effect of missense changes on protein structure and function (SIFT, PolyPhen-2, Align-GVGD) all suggest that this variant is likely to be tolerated. This variant has not been reported in the literature in individuals affected with GPR179-related conditions. This variant is not present in population databases (gnomAD no frequency). This sequence change replaces valine, which is neutral and non-polar, with methionine, which is neutral and non-polar, at codon 2007 of the GPR179 protein (p.Val2007Met).

Institute of Human Genetics, Univ. Regensburg, Univ. Regensburg
Classification: Uncertain significance for Retinal dystrophy. Last evaluated: 2022-01-01. Review status: no assertion criteria provided. Criteria: ACMG Guidelines, 2015. Collection method: clinical testing. Allele origin: germline. Affected: yes. Not counted in ClinVar's aggregate classification.